The following is an entry in ClinVar:

ClinVar aggregate classification (germline): Likely pathogenic (1 of 4 stars; one submission).

Conditions:
Rhabdoid tumor predisposition syndrome 2 (RTPS2). Identifiers: Orphanet 231108, Orphanet 69077, MedGen C2750074, MONDO:0013224, OMIM 613325.

Submission:

Institute for Genomic Medicine (IGM) Clinical Laboratory, Nationwide Children's Hospital
Classification: Likely pathogenic for Rhabdoid tumor predisposition syndrome 2. Last evaluated: 2022-09-13. Review status: criteria provided, single submitter. Criteria: ACMG Guidelines, 2015. Collection method: clinical testing. Allele origin: germline.
Comment: This variant is predicted to result in loss of function through nonsense-mediated decay of the encoded transcript or premature truncation of the encoded protein in a gene in which loss of function is a known mechanism of disease (ACMG/AMP: PVS1; PMIDs:25060813, 34642211). This variant is absent from or present at an exceedingly low frequency in gnomAD, a large-scale control population database (ACMG/AMP: PM2).

Literature cited by the submitters: PubMed 25060813; PubMed 34642211.

NM_003072.5(SMARCA4):c.905del (p.Leu302fs)

Gene: SMARCA4 (SWI/SNF related BAF chromatin remodeling complex subunit ATPase 4; plus strand). Cytogenetic location: 19p13.2.
Variant type: Deletion.
Coding change: c.905del on transcript NM_003072.5 (MANE Select); coding-DNA position 905, one base deleted (T; older notation c.905delT).
Protein change: p.Leu302fs; shifts the reading frame from leucine 302.
Molecular consequence: frameshift variant. On other transcripts: non-coding transcript variant (1).
Genome position (GRCh38, 1-based): chr19:10,987,711, T deleted. VCF-style (leftmost placement, unchanged base first): chr19-10987710-CT-C. GRCh37 (hg19) VCF-style: chr19-11098386-CT-C.
Other names: c.905del, p.Leu302fs (NM_001128844.3, NM_001128845.2, NM_001128846.2 and 6 more transcripts); short protein forms L302fs.
Identifiers: ClinVar variation 4759315 (VCV004759315.1).